The following is an entry in ClinVar:

ClinVar aggregate classification (germline): Uncertain significance. Review status: criteria provided, multiple submitters, no conflicts (2 of 4 stars). 3 submissions from 3 submitters: Uncertain significance (3). Last evaluated 2024-12-14.

Conditions:
Cardiovascular phenotype. Identifiers: MedGen CN230736.
Cardiomyopathy (CMYO). Also called: Cardiomyopathies. Identifiers: Orphanet 167848, MedGen C0878544, MONDO:0004994, HP:0001638. Inheritance: Various modes of inheritance.
Hypertrophic cardiomyopathy. Also called: HYPERTROPHIC MYOCARDIOPATHY. Identifiers: Orphanet 217569, MedGen C0007194, MeSH D002312, MONDO:0005045, HP:0001639.

Allele frequency attached by ClinVar (database versions not stated): gnomAD exomes below 0.00001; TOPMed below 0.00001; gnomAD 0.00001.
gnomAD v4.1: 6 of 1,567,606 alleles (0.00038%); highest among the groups gnomAD compares: Non-Finnish European, 0.00043%; no homozygotes.

Submissions (3):

Ambry Genetics
Classification: Uncertain significance for Cardiovascular phenotype. Last evaluated: 2024-12-14. Review status: criteria provided, single submitter. Criteria: Ambry Variant Classification Scheme 2023. Collection method: clinical testing. Allele origin: germline.
Comment: The p.K889Q variant (also known as c.2665A>C), located in coding exon 26 of the MYBPC3 gene, results from an A to C substitution at nucleotide position 2665. The lysine at codon 889 is replaced by glutamine, an amino acid with similar properties. This amino acid position is conserved. In addition, this alteration is predicted to be tolerated by in silico analysis. Based on the available evidence, the clinical significance of this variant remains unclear.

Color Diagnostics, LLC DBA Color Health
Classification: Uncertain significance for Cardiomyopathy. Last evaluated: 2024-03-06. Review status: criteria provided, single submitter. Criteria: ACMG Guidelines, 2015. Collection method: clinical testing. Allele origin: germline.
Comment: This missense variant replaces lysine with glutamine at codon 889 of the MYBPC3 protein. Computational prediction suggests that this variant may not impact protein structure and function (internally defined REVEL score threshold <= 0.5, PMID: 27666373). To our knowledge, functional studies have not been reported for this variant. This variant has not been reported in individuals affected with cardiovascular disorders in the literature. This variant has not been identified in the general population by the Genome Aggregation Database (gnomAD). The available evidence is insufficient to determine the role of this variant in disease conclusively. Therefore, this variant is classified as a Variant of Uncertain Significance.

Labcorp Genetics (formerly Invitae), Labcorp
Classification: Uncertain significance for Hypertrophic cardiomyopathy. Last evaluated: 2022-08-22. Review status: criteria provided, single submitter. Criteria: Invitae Variant Classification Sherloc (09022015). Collection method: clinical testing. Allele origin: germline.
Comment: This sequence change replaces lysine, which is basic and polar, with glutamine, which is neutral and polar, at codon 889 of the MYBPC3 protein (p.Lys889Gln). This variant is not present in population databases (gnomAD no frequency). This variant has not been reported in the literature in individuals affected with MYBPC3-related conditions. ClinVar contains an entry for this variant (Variation ID: 919171). Algorithms developed to predict the effect of missense changes on protein structure and function (SIFT, PolyPhen-2, Align-GVGD) all suggest that this variant is likely to be disruptive. Algorithms developed to predict the effect of sequence changes on RNA splicing suggest that this variant may create or strengthen a splice site. In summary, the available evidence is currently insufficient to determine the role of this variant in disease. Therefore, it has been classified as a Variant of Uncertain Significance.

NM_000256.3(MYBPC3):c.2665A>C (p.Lys889Gln)

Gene: MYBPC3 (myosin binding protein C3; minus strand). Cytogenetic location: 11p11.2.
Variant type: single nucleotide variant.
Coding change: c.2665A>C on transcript NM_000256.3 (MANE Select); coding-DNA position 2665, A replaced by C.
Protein change: p.Lys889Gln; replaces lysine 889 with glutamine.
Molecular consequence: missense variant.
Genome position (GRCh38, 1-based): chr11:47,335,949, T>G on the plus strand (A>C on the coding strand, the complement: MYBPC3 is on the minus strand). VCF-style: chr11-47335949-T-G. GRCh37 (hg19) VCF-style: chr11-47357500-T-G.
Other names: short protein forms K889Q.
Identifiers: ClinVar variation 919171 (VCV000919171.12), dbSNP rs970845959, ClinGen allele CA380317345.
Genomic context (GRCh38, chr11:47,335,949, plus strand): 5'-AGTACTCCACGCTGTAGCCATCCAGGCCTCCTGCTCCCACGCGCTCTGGGGGCCGCCACT[T>G]GAGGGAGACCGTGGTGTCAGAGACGTCCTCTACTGCCAGGTGGGTGGGTTCGCTGGGGGG-3'
Protein context (NP_000247.2, residues 879-899): EDVSDTTVSL[Lys889Gln]WRPPERVGAG